The following is an entry in ClinVar:

ClinVar aggregate classification (germline): Uncertain significance. Review status: criteria provided, multiple submitters, no conflicts (2 of 4 stars). 2 submissions from 2 submitters: Uncertain significance (2). Last evaluated 2022-08-16.

Conditions:
Tuberous sclerosis 1 (TSC1). Identifiers: Orphanet 805, MedGen C1854465, MONDO:0008612, OMIM 191100.
Hereditary cancer-predisposing syndrome. Also called: Neoplastic Syndromes, Hereditary; Hereditary Cancer Syndrome; Tumor predisposition; Hereditary neoplastic syndrome. Identifiers: Orphanet 140162, MedGen C0027672, MeSH D009386, MONDO:0015356.

Allele frequency attached by ClinVar (database versions not stated): gnomAD exomes below 0.00001.
gnomAD v4.1: 1 of 1,613,812 alleles (0.000062%); highest among the groups gnomAD compares: East Asian, 0.0022%; no homozygotes.

Submissions (2):

Ambry Genetics
Classification: Uncertain significance for Hereditary cancer-predisposing syndrome. Last evaluated: 2022-08-16. Review status: criteria provided, single submitter. Criteria: Ambry Variant Classification Scheme 2023. Collection method: clinical testing. Allele origin: germline.
Comment: The p.K384R variant (also known as c.1151A>G), located in coding exon 10 of the TSC1 gene, results from an A to G substitution at nucleotide position 1151. The lysine at codon 384 is replaced by arginine, an amino acid with highly similar properties. This amino acid position is conserved. In addition, this alteration is predicted to be tolerated by in silico analysis. Since supporting evidence is limited at this time, the clinical significance of this alteration remains unclear.

Labcorp Genetics (formerly Invitae), Labcorp
Classification: Uncertain significance for Tuberous sclerosis 1. Last evaluated: 2020-07-26. Review status: criteria provided, single submitter. Criteria: Invitae Variant Classification Sherloc (09022015). Collection method: clinical testing. Allele origin: germline.
Comment: Algorithms developed to predict the effect of missense changes on protein structure and function (SIFT, PolyPhen-2, Align-GVGD) all suggest that this variant is likely to be tolerated, but these predictions have not been confirmed by published functional studies and their clinical significance is uncertain. In summary, the available evidence is currently insufficient to determine the role of this variant in disease. Therefore, it has been classified as a Variant of Uncertain Significance. This variant has not been reported in the literature in individuals with TSC1-related conditions. This variant is not present in population databases (ExAC no frequency). This sequence change replaces lysine with arginine at codon 384 of the TSC1 protein (p.Lys384Arg). The lysine residue is moderately conserved and there is a small physicochemical difference between lysine and arginine.

NM_000368.5(TSC1):c.1151A>G (p.Lys384Arg)

Gene: TSC1 (TSC complex subunit 1; minus strand). Cytogenetic location: 9q34.13.
Variant type: single nucleotide variant.
Coding change: c.1151A>G on transcript NM_000368.5 (MANE Select); coding-DNA position 1151, A replaced by G.
Protein change: p.Lys384Arg; replaces lysine 384 with arginine.
Molecular consequence: missense variant.
Genome position (GRCh38, 1-based): chr9:132,910,683, T>C on the plus strand (A>G on the coding strand, the complement: TSC1 is on the minus strand). VCF-style: chr9-132910683-T-C. GRCh37 (hg19) VCF-style: chr9-135786070-T-C.
Other names: c.1148A>G, p.Lys383Arg (NM_001162426.2); c.998A>G, p.Lys333Arg (NM_001162427.2); c.788A>G, p.Lys263Arg (NM_001362177.2); short protein forms K263R, K384R, K333R, K383R.
Identifiers: ClinVar variation 1036966 (VCV001036966.11), dbSNP rs1845907002, ClinGen allele CA375367198.